The following is an entry in ClinVar:

NM_000535.7(PMS2):c.2500_2501del (p.Met834fs)

Gene: PMS2 (PMS1 homolog 2, mismatch repair system component; minus strand). Cytogenetic location: 7p22.1.
Variant type: Deletion.
Coding change: c.2500_2501del on transcript NM_000535.7 (MANE Select); coding-DNA positions 2500 to 2501, 2 bases deleted (AT; older notation c.2500_2501delAT).
Protein change: p.Met834fs; shifts the reading frame from methionine 834.
Molecular consequence: frameshift variant. On other transcripts: non-coding transcript variant (1).
Genome position (GRCh38, 1-based): chr7:5,973,487-5,973,488, AT deleted on the plus strand (AT on the coding strand, the reverse complement: PMS2 is on the minus strand). VCF-style (leftmost placement, unchanged base first): chr7-5973486-CAT-C. GRCh37 (hg19) VCF-style: chr7-6013117-CAT-C.
Other names: c.2095_2096del, p.Met699fs (NM_001322003.2, NM_001322004.2, NM_001322005.2); c.2344_2345del, p.Met782fs (NM_001322006.2); c.2182_2183del, p.Met728fs (NM_001322007.2, NM_001322008.2); c.2128_2129del, p.Met710fs (NM_001322009.2); c.1939_1940del, p.Met647fs (NM_001322010.2); c.1567_1568del, p.Met523fs (NM_001322011.2, NM_001322012.2); c.1927_1928del, p.Met643fs (NM_001322013.2); c.2533_2534del, p.Met845fs (NM_001322014.2); and 1 more; short protein forms M710fs, M834fs, M643fs, M699fs, M845fs, M523fs, M647fs, M731fs.
Identifiers: ClinVar variation 234482 (VCV000234482.1), dbSNP rs876661042, ClinGen allele CA10577330.

ClinVar aggregate classification (germline): Likely pathogenic (1 of 4 stars; one submission).

Submission:

GeneDx
Classification: Likely pathogenic. Last evaluated: 2015-12-04. Review status: criteria provided, single submitter. Criteria: GeneDx Variant Classification (06012015). Collection method: clinical testing. Allele origin: germline. Affected: yes.
Comment: This variant is denoted PMS2 c.2500_2501delATinsG at the cDNA level and p.Met834GlyfsX17 (M834GfsX17) at the protein level.The normal sequence, with the bases that are deleted in braces and inserted in brackets, is CCAC{AT}[G]GGGGGA. The deletion and insertion causes a frameshift, which changes a Methionine to a Glycine at codon 834, and creates a premature stop codon at position 17 of the new reading frame.This variant is predicted to cause loss of normal protein function through protein truncation.Due to the premature truncation, the last 29 amino acids of the protein are replaced by 16 incorrect amino acids, located in a highly conserved region involved in interaction with MLH1 and endonuclease activity (Guerrette 1999, Fukui 2011). Although this variant has not been reported in association with Lynch syndrome to our knowledge, based on the currently available evidence, we consider it to be a likely pathogenic variant.